The following is an entry in ClinVar:

NM_005612.5(REST):c.2164_2211dup (p.Met737_Glu738insGlnValValGlnLysGluProValGlnMetGluLeuSerProProMet)

Gene: REST (RE1 silencing transcription factor; plus strand). Cytogenetic location: 4q12.
Variant type: Duplication.
Coding change: c.2164_2211dup on transcript NM_005612.5 (MANE Select); coding-DNA positions 2164 to 2211, 48 bases duplicated.
Protein change: p.Met737_Glu738insGlnValValGlnLysGluProValGlnMetGluLeuSerProProMet.
Molecular consequence: inframe insertion. On other transcripts: inframe indel (2).
Genome position (GRCh38, 1-based): chr4:56,931,022-56,931,069, 48 bases duplicated; duplicating any 48 consecutive bases within chr4:56,931,014-56,931,069 gives the same sequence; the c. name uses the placement nearest the transcript's 3' end. GRCh37 (hg19): chr4:57,797,188-57,797,235.
Other names: c.2164_2211dup, p.Met737_Glu738insGlnValValGlnLysGluProValGlnMetGluLeuSerProProMet (NM_001193508.2, NM_001363453.3).
Identifiers: ClinVar variation 3611101 (VCV003611101.2).

ClinVar aggregate classification (germline): Uncertain significance (1 of 4 stars; one submission).

Submission:

Labcorp Genetics (formerly Invitae), Labcorp
Classification: Uncertain significance. Last evaluated: 2025-01-04. Review status: criteria provided, single submitter. Criteria: Invitae Variant Classification Sherloc (09022015). Collection method: clinical testing. Allele origin: germline.
Comment: This variant, c.2164_2211dup, results in the insertion of 16 amino acid(s) of the REST protein (p.Gln722_Met737dup), but otherwise preserves the integrity of the reading frame. This variant is not present in population databases (gnomAD no frequency). This variant has not been reported in the literature in individuals affected with REST-related conditions. In summary, the available evidence is currently insufficient to determine the role of this variant in disease. Therefore, it has been classified as a Variant of Uncertain Significance.